The following is an entry in ClinVar:

ClinVar aggregate classification (germline): Conflicting classifications of pathogenicity. Review status: criteria provided, conflicting classifications (1 of 4 stars). 2 submissions from 2 submitters: Likely pathogenic (1); Uncertain significance (1). Last evaluated 2022-08-10.

Conditions:
Neurodegeneration with brain iron accumulation 5 (NBIA5). Also called: STATIC ENCEPHALOPATHY OF CHILDHOOD WITH NEURODEGENERATION IN ADULTHOOD; Beta-propeller protein-associated neurodegeneration. Identifiers: Orphanet 329284, MedGen C3550973, MONDO:0010476, OMIM 300894.

Submissions (2):

Labcorp Genetics (formerly Invitae), Labcorp
Classification: Uncertain significance for Neurodegeneration with brain iron accumulation 5. Last evaluated: 2022-08-10. Review status: criteria provided, single submitter. Criteria: Invitae Variant Classification Sherloc (09022015). Collection method: clinical testing. Allele origin: germline.
Comment: In summary, the available evidence is currently insufficient to determine the role of this variant in disease. Therefore, it has been classified as a Variant of Uncertain Significance. Variants that disrupt the consensus splice site are a relatively common cause of aberrant splicing (PMID: 17576681, 9536098). Algorithms developed to predict the effect of sequence changes on RNA splicing suggest that this variant may disrupt the consensus splice site. ClinVar contains an entry for this variant (Variation ID: 384351). This variant has not been reported in the literature in individuals affected with WDR45-related conditions. This variant is not present in population databases (gnomAD no frequency). This sequence change falls in intron 7 of the WDR45 gene. It does not directly change the encoded amino acid sequence of the WDR45 protein. It affects a nucleotide within the consensus splice site.

GeneDx
Classification: Likely pathogenic. Last evaluated: 2016-09-19. Review status: criteria provided, single submitter. Criteria: GeneDx Variant Classification (06012015). Collection method: clinical testing. Allele origin: germline. Affected: yes.
Comment: The c.439+5G>A variant in the WDR45 gene has not been reported previously as a pathogenic variant nor as a benign variant, to our knowledge. This variant reduces the quality of the splice donor site in intron 7, and is expected to cause abnormal gene splicing. The c.439+5G>A variant was not observed in approximately 6,500 individuals of European and African American ancestry in the NHLBI Exome Sequencing Project, indicating it is not a common benign variant in these populations. Based on the available information, c.439+5G>A is a strong candidate for a pathogenic variant.

Literature cited by the submitters: PubMed 17576681 (cited by Labcorp Genetics (formerly Invitae), Labcorp); PubMed 9536098 (cited by Labcorp Genetics (formerly Invitae), Labcorp).

NM_001029896.2(WDR45):c.436+5G>A

Gene: WDR45 (WD repeat domain 45; minus strand). Cytogenetic location: Xp11.23.
Variant type: single nucleotide variant.
Coding change: c.436+5G>A on transcript NM_001029896.2 (MANE Select); 5 bases into the intron after coding-DNA position 436, G replaced by A.
Molecular consequence: intron variant.
Genome position (GRCh38, 1-based): chrX:49,076,425, C>T on the plus strand (G>A on the coding strand, the complement: WDR45 is on the minus strand). VCF-style: chrX-49076425-C-T. GRCh37 (hg19) VCF-style: chrX-48934084-C-T.
Other names: c.439+5G>A (NM_007075.4).
Identifiers: ClinVar variation 384351 (VCV000384351.8), dbSNP rs1057521933, ClinGen allele CA16609189.